The following is an entry in ClinVar:

NM_000531.6(OTC):c.506C>T (p.Pro169Leu)

Gene: OTC (ornithine transcarbamylase; plus strand). Cytogenetic location: Xp11.4.
Variant type: single nucleotide variant.
Coding change: c.506C>T on transcript NM_000531.6 (MANE Select); coding-DNA position 506, C replaced by T.
Protein change: p.Pro169Leu; replaces proline 169 with leucine.
Molecular consequence: missense variant.
Genome position (GRCh38, 1-based): chrX:38,401,394, C>T. VCF-style: chrX-38401394-C-T. GRCh37 (hg19) VCF-style: chrX-38260647-C-T.
Other names: short protein forms P169L.
Identifiers: ClinVar variation 97228 (VCV000097228.5), dbSNP rs72556278, ClinGen allele CA224655.

ClinVar aggregate classification (germline): Pathogenic/Likely pathogenic. Review status: criteria provided, multiple submitters, no conflicts (2 of 4 stars). 3 submissions from 3 submitters: Pathogenic (1); Likely pathogenic (1). 1 of the submissions does not count toward it. Last evaluated 2024-10-21.

Conditions:
Ornithine carbamoyltransferase deficiency (OTCD). Also called: ORNITHINE TRANSCARBAMYLASE DEFICIENCY, HYPERAMMONEMIA DUE TO; ORNITHINE TRANSCARBAMYLASE DEFICIENCY; OTC DEFICIENCY; Ornithine Carbamoyltransferase Deficiency Disease. Identifiers: Orphanet 664, MedGen C0268542, MONDO:0010703, OMIM 311250.

Submissions (3):

Labcorp Genetics (formerly Invitae), Labcorp
Classification: Likely pathogenic for Ornithine carbamoyltransferase deficiency. Last evaluated: 2024-10-21. Review status: criteria provided, single submitter. Criteria: Invitae Variant Classification Sherloc (09022015). Collection method: clinical testing. Allele origin: germline.
Comment: This sequence change replaces proline, which is neutral and non-polar, with leucine, which is neutral and non-polar, at codon 169 of the OTC protein (p.Pro169Leu). This variant is not present in population databases (gnomAD no frequency). This missense change has been observed in individual(s) with OTC deficiency (PMID: 11117428, 34014569). ClinVar contains an entry for this variant (Variation ID: 97228). Invitae Evidence Modeling of protein sequence and biophysical properties (such as structural, functional, and spatial information, amino acid conservation, physicochemical variation, residue mobility, and thermodynamic stability) indicates that this missense variant is expected to disrupt OTC protein function with a positive predictive value of 95%. This variant disrupts the p.Pro169 amino acid residue in OTC. Other variant(s) that disrupt this residue have been determined to be pathogenic (PMID: 11793468). This suggests that this residue is clinically significant, and that variants that disrupt this residue are likely to be disease-causing. In summary, the currently available evidence indicates that the variant is pathogenic, but additional data are needed to prove that conclusively. Therefore, this variant has been classified as Likely Pathogenic.

Mendelics
Classification: Pathogenic for Ornithine carbamoyltransferase deficiency. Last evaluated: 2019-05-28. Review status: criteria provided, single submitter. Criteria: Mendelics Assertion Criteria 2017. Collection method: clinical testing. Allele origin: unknown.

GenMed Metabolism Lab
Classification: Pathogenic. Review status: no assertion criteria provided. Collection method: not provided. Allele origin: unknown. Not counted in ClinVar's aggregate classification.
Comment: p.Pro169Leu, Neonatal
ClinVar note: Converted during submission from pathogenic to Pathogenic.

Literature cited by the submitters: PubMed 11117428 (cited by Labcorp Genetics (formerly Invitae), Labcorp); PubMed 34014569 (cited by Labcorp Genetics (formerly Invitae), Labcorp); PubMed 11793468 (cited by Labcorp Genetics (formerly Invitae), Labcorp).